The following is an entry in ClinVar:

NM_001367624.2(ZNF469):c.4096G>C (p.Val1366Leu)

Gene: ZNF469 (zinc finger protein 469; plus strand). Cytogenetic location: 16q24.2.
Variant type: single nucleotide variant.
Coding change: c.4096G>C on transcript NM_001367624.2 (MANE Select); coding-DNA position 4096, G replaced by C.
Protein change: p.Val1366Leu; replaces valine 1366 with leucine.
Molecular consequence: missense variant.
Genome position (GRCh38, 1-based): chr16:88,431,566, G>C. VCF-style: chr16-88431566-G-C. GRCh37 (hg19) VCF-style: chr16-88497974-G-C.
Other names: NM_001127464.1:c.4012G>C; short protein forms V1366L.
Identifiers: ClinVar variation 3258252 (VCV003258252.1).

ClinVar aggregate classification (germline): Uncertain significance (1 of 4 stars; one submission).

Conditions:
Cardiovascular phenotype. Identifiers: MedGen CN230736.

Submission:

Ambry Genetics
Classification: Uncertain significance for Cardiovascular phenotype. Last evaluated: 2024-04-28. Review status: criteria provided, single submitter. Criteria: Ambry Variant Classification Scheme 2023. Collection method: clinical testing. Allele origin: germline.
Comment: The p.V1338L variant (also known as c.4012G>C), located in coding exon 2 of the ZNF469 gene, results from a G to C substitution at nucleotide position 4012. The valine at codon 1338 is replaced by leucine, an amino acid with highly similar properties. This amino acid position is conserved. In addition, this alteration is predicted to be tolerated by in silico analysis. Based on the available evidence, the clinical significance of this variant remains unclear.